The following is an entry in ClinVar:

ClinVar aggregate classification (germline): Benign/Likely benign. Review status: criteria provided, multiple submitters, no conflicts (2 of 4 stars). 4 submissions from 4 submitters: Benign (1); Likely benign (3). Last evaluated 2026-02-02.

Submissions (4):

Labcorp Genetics (formerly Invitae), Labcorp
Classification: Benign. Last evaluated: 2026-02-02. Review status: criteria provided, single submitter. Criteria: Invitae Variant Classification Sherloc (09022015). Collection method: clinical testing. Allele origin: germline.

CeGaT Center for Human Genetics Tuebingen
Classification: Likely benign. Last evaluated: 2025-09-01. Review status: criteria provided, single submitter. Criteria: CeGaT Center For Human Genetics Tuebingen Variant Classification Criteria Version 2. Collection method: clinical testing. Allele origin: germline. Affected: yes. Observed: 1 variant allele.
Comment: COL11A1: BP4, BS1

Blueprint Genetics
Classification: Likely benign. Last evaluated: 2024-09-15. Review status: criteria provided, single submitter. Criteria: ACMG Guidelines, 2015. Collection method: clinical testing. Allele origin: germline.

GeneDx
Classification: Likely benign. Last evaluated: 2019-09-15. Review status: criteria provided, single submitter. Criteria: GeneDx Variant Classification Process June 2021. Collection method: clinical testing. Allele origin: germline. Affected: yes.

NM_001854.4(COL11A1):c.652-6_652-5insTTC

Gene: COL11A1 (collagen type XI alpha 1 chain; minus strand). Cytogenetic location: 1p21.1.
Variant type: Insertion.
Coding change: c.652-6_652-5insTTC on transcript NM_001854.4 (MANE Select); 6 bases into the intron before coding-DNA position 652 through 5 bases into the intron before coding-DNA position 652, TTC inserted.
Molecular consequence: intron variant.
Genome position: GRCh38 VCF-style: chr1-103031249-G-GGAA. GRCh37 (hg19) VCF-style: chr1-103496805-G-GGAA.
Other names: c.652-6_652-5insTTC (NM_001190709.2, NM_080629.3, NM_080630.4).
Identifiers: ClinVar variation 1167375 (VCV001167375.19), dbSNP rs749687230, ClinGen allele CA525178281.